The following is an entry in ClinVar:

ClinVar aggregate classification (germline): Uncertain significance (1 of 4 stars; one submission).

Conditions:
Progressive sclerosing poliodystrophy (MTDPS4A). Also called: NEURONAL DEGENERATION OF CHILDHOOD WITH LIVER DISEASE, PROGRESSIVE; Alpers Syndrome; ALPERS DIFFUSE DEGENERATION OF CEREBRAL GRAY MATTER WITH HEPATIC CIRRHOSIS; Alpers-Huttenlocher Syndrome; Mitochondrial DNA depletion syndrome 4A (Alpers type); Mitochondrial DNA Depletion Syndrome 4A. Identifiers: Orphanet 726, MedGen C0205710, MONDO:0008758, OMIM 203700.

Submission:

Labcorp Genetics (formerly Invitae), Labcorp
Classification: Uncertain significance for Progressive sclerosing poliodystrophy. Last evaluated: 2022-08-23. Review status: criteria provided, single submitter. Criteria: Invitae Variant Classification Sherloc (09022015). Collection method: clinical testing. Allele origin: germline.
Comment: Algorithms developed to predict the effect of missense changes on protein structure and function (SIFT, PolyPhen-2, Align-GVGD) all suggest that this variant is likely to be tolerated. This sequence change replaces cysteine, which is neutral and slightly polar, with tyrosine, which is neutral and polar, at codon 548 of the POLG protein (p.Cys548Tyr). This variant is not present in population databases (gnomAD no frequency). This variant has not been reported in the literature in individuals affected with POLG-related conditions. ClinVar contains an entry for this variant (Variation ID: 1358594). In summary, the available evidence is currently insufficient to determine the role of this variant in disease. Therefore, it has been classified as a Variant of Uncertain Significance.

NM_002693.3(POLG):c.1643G>A (p.Cys548Tyr)

Gene: POLG (DNA polymerase gamma, catalytic subunit; minus strand). Cytogenetic location: 15q26.1.
Variant type: single nucleotide variant.
Coding change: c.1643G>A on transcript NM_002693.3 (MANE Select); coding-DNA position 1643, G replaced by A.
Protein change: p.Cys548Tyr; replaces cysteine 548 with tyrosine.
Molecular consequence: missense variant.
Genome position (GRCh38, 1-based): chr15:89,326,681, C>T on the plus strand (G>A on the coding strand, the complement: POLG is on the minus strand). VCF-style: chr15-89326681-C-T. GRCh37 (hg19) VCF-style: chr15-89869912-C-T.
Other names: c.1643G>A, p.Cys548Tyr (NM_001126131.2); short protein forms C548Y.
Identifiers: ClinVar variation 1358594 (VCV001358594.8), dbSNP rs2152066680, ClinGen allele CA393760563.